The following is an entry in ClinVar:

NM_001134407.3(GRIN2A):c.3091G>C (p.Val1031Leu)

Gene: GRIN2A (glutamate ionotropic receptor NMDA type subunit 2A; minus strand). Cytogenetic location: 16p13.2.
Variant type: single nucleotide variant.
Coding change: c.3091G>C on transcript NM_001134407.3 (MANE Select); coding-DNA position 3091, G replaced by C.
Protein change: p.Val1031Leu; replaces valine 1031 with leucine.
Molecular consequence: missense variant.
Genome position (GRCh38, 1-based): chr16:9,764,453, C>G on the plus strand (G>C on the coding strand, the complement: GRIN2A is on the minus strand). VCF-style: chr16-9764453-C-G. GRCh37 (hg19) VCF-style: chr16-9858310-C-G.
Other names: c.3091G>C, p.Val1031Leu (NM_000833.5, NM_001134408.2); short protein forms V1031L.
Identifiers: ClinVar variation 1305137 (VCV001305137.21), dbSNP rs569342611, ClinGen allele CA277537889.
Genomic context (GRCh38, chr16:9,764,453, plus strand): 5'-ACCTAGGGCTCTTTAGGGAGTGGGTCCTATTCTCTGCTGTTGCCTCATCCCTCTGGGAGA[C>G]TGGATTCTGGGATAGTGAATCCTGGCGTATGGAATCCACGGATTTCTTCCACAGCTGCCG-3'
Protein context (NP_001127879.1, residues 1021-1041): IRQDSLSQNP[Val1031Leu]SQRDEATAEN

ClinVar aggregate classification (germline): Uncertain significance. Review status: criteria provided, multiple submitters, no conflicts (2 of 4 stars). 2 submissions from 2 submitters: Uncertain significance (2). Last evaluated 2024-05-01.

Allele frequency attached by ClinVar (database versions not stated): gnomAD exomes below 0.00001.
gnomAD v4.1: 2 of 1,614,132 alleles (0.00012%); highest among the groups gnomAD compares: Non-Finnish European, 0.00017%; no homozygotes.

Submissions (2):

CeGaT Center for Human Genetics Tuebingen
Classification: Uncertain significance. Last evaluated: 2024-05-01. Review status: criteria provided, single submitter. Criteria: CeGaT Center For Human Genetics Tuebingen Variant Classification Criteria Version 2. Collection method: clinical testing. Allele origin: germline. Affected: yes. Observed: 1 variant allele.
Comment: GRIN2A: PM2, BP4

GeneDx
Classification: Uncertain significance. Last evaluated: 2019-04-12. Review status: criteria provided, single submitter. Criteria: GeneDx Variant Classification Process June 2021. Collection method: clinical testing. Allele origin: germline. Affected: yes.
Comment: Not observed at a significant frequency in large population cohorts (Lek et al., 2016); In silico analysis, which includes protein predictors and evolutionary conservation, supports that this variant does not alter protein structure/function; Has not been previously published as pathogenic or benign to our knowledge